The following is an entry in ClinVar:

ClinVar aggregate classification (germline): Uncertain significance (1 of 4 stars; one submission).

Submission:

GeneDx
Classification: Uncertain significance. Last evaluated: 2024-01-17. Review status: criteria provided, single submitter. Criteria: GeneDx Variant Classification Process June 2021. Collection method: clinical testing. Allele origin: germline. Affected: yes.
Comment: Not observed at significant frequency in large population cohorts (gnomAD); In silico analysis supports that this missense variant does not alter protein structure/function; Has not been previously published as pathogenic or benign to our knowledge

NM_181882.3(PRX):c.1974G>T (p.Gln658His)

Gene: PRX (periaxin; minus strand). Cytogenetic location: 19q13.2.
Variant type: single nucleotide variant.
Coding change: c.1974G>T on transcript NM_181882.3 (MANE Select); coding-DNA position 1974, G replaced by T.
Protein change: p.Gln658His; replaces glutamine 658 with histidine.
Molecular consequence: missense variant. On other transcripts: 3 prime UTR variant (1).
Genome position (GRCh38, 1-based): chr19:40,396,378, C>A on the plus strand (G>T on the coding strand, the complement: PRX is on the minus strand). VCF-style: chr19-40396378-C-A. GRCh37 (hg19) VCF-style: chr19-40902285-C-A.
Other names: c.2259G>T, p.Gln753His (NM_001411127.1); c.*2179G>T (NM_020956.2); short protein forms Q658H, Q753H.
Identifiers: ClinVar variation 3367707 (VCV003367707.1).
Genomic context (GRCh38, chr19:40,396,378, plus strand): 5'-AACCTCTGGCACAGCCATCTCAGGCATTTTAGGGAGTTTCATCTCTGGGACTTTCGGGAG[C>A]TGCACTTCCGGGAGGTGCACATCGGGCACAGCCATCTCGGGCACCTTCGGGAGTTTCACC-3'
Protein context (NP_870998.2, residues 648-668): AVPDVHLPEV[Gln658His]LPKVPEMKLP